The following is an entry in ClinVar:

ClinVar aggregate classification (germline): Uncertain significance (1 of 4 stars; one submission).

Conditions:
Hereditary cancer-predisposing syndrome. Also called: Hereditary neoplastic syndrome; Neoplastic Syndromes, Hereditary; Tumor predisposition; Hereditary Cancer Syndrome. Identifiers: Orphanet 140162, MedGen C0027672, MeSH D009386, MONDO:0015356.

Submission:

Labcorp Genetics (formerly Invitae), Labcorp
Classification: Uncertain significance for Hereditary cancer-predisposing syndrome. Last evaluated: 2019-08-21. Review status: criteria provided, single submitter. Criteria: Invitae Variant Classification Sherloc (09022015). Collection method: clinical testing. Allele origin: germline.
Comment: In summary, the available evidence is currently insufficient to determine the role of this variant in disease. Therefore, it has been classified as a Variant of Uncertain Significance. Algorithms developed to predict the effect of missense changes on protein structure and function (SIFT, PolyPhen-2, Align-GVGD) all suggest that this variant is likely to be tolerated, but these predictions have not been confirmed by published functional studies and their clinical significance is uncertain. This variant has not been reported in the literature in individuals with RAD50-related conditions. This variant is not present in population databases (ExAC no frequency). This sequence change replaces aspartic acid with tyrosine at codon 970 of the RAD50 protein (p.Asp970Tyr). The aspartic acid residue is moderately conserved and there is a large physicochemical difference between aspartic acid and tyrosine.

NM_005732.4(RAD50):c.2908G>T (p.Asp970Tyr)

Gene: RAD50 (RAD50 double strand break repair protein; plus strand). Cytogenetic location: 5q31.1.
Variant type: single nucleotide variant.
Coding change: c.2908G>T on transcript NM_005732.4 (MANE Select); coding-DNA position 2908, G replaced by T.
Protein change: p.Asp970Tyr; replaces aspartic acid 970 with tyrosine.
Molecular consequence: missense variant.
Genome position (GRCh38, 1-based): chr5:132,609,195, G>T. VCF-style: chr5-132609195-G-T. GRCh37 (hg19) VCF-style: chr5-131944887-G-T.
Other names: short protein forms D970Y.
Identifiers: ClinVar variation 941408 (VCV000941408.10), dbSNP rs769131100, ClinGen allele CA360959971.
Genomic context (GRCh38, chr5:132,609,195, plus strand): 5'-AAGGTTAAAAATATTCATGGCTATATGAAAGACATTGAGAATTATATTCAAGATGGGAAA[G>T]ACGACTATAAGAAGGTAATTTAAAACTTAAAATTATTTATTTGATTGTATTTTTATTCAT-3'
Protein context (NP_005723.2, residues 960-980): DIENYIQDGK[Asp970Tyr]DYKKQKETEL